The following is an entry in ClinVar:

ClinVar aggregate classification (germline): Likely benign. Review status: criteria provided, single submitter (1 of 4 stars). 2 submissions from 2 submitters: Likely benign (1). 1 of the submissions does not count toward it. Last evaluated 2025-06-19.

Conditions:
VPS13D-related disorder. Also called: VPS13D-related condition.

Allele frequency attached by ClinVar (database versions not stated): gnomAD exomes 0.00014; ExAC 0.00021; 1000 Genomes Project 0.00040; gnomAD 0.00051 and 0.00054; TOPMed 0.00056; 1000 Genomes Project 30x 0.00062; ESP Exome Variant Server 0.00085.
gnomAD v4.1: 176 of 1,614,046 alleles (0.011%); highest among the groups gnomAD compares: African/African-American, 0.18%; no homozygotes.

Submissions (2):

Labcorp Genetics (formerly Invitae), Labcorp
Classification: Likely benign. Last evaluated: 2025-06-19. Review status: criteria provided, single submitter. Criteria: Invitae Variant Classification Sherloc (09022015). Collection method: clinical testing. Allele origin: germline.

PreventionGenetics, part of Exact Sciences
Classification: Likely benign for VPS13D-related condition. Last evaluated: 2019-05-24. Review status: no assertion criteria provided. Collection method: clinical testing. Allele origin: germline. Not counted in ClinVar's aggregate classification.
Comment: This variant is classified as likely benign based on ACMG/AMP sequence variant interpretation guidelines (Richards et al. 2015 PMID: 25741868, with internal and published modifications).

NM_015378.4(VPS13D):c.8526G>A (p.Ser2842=)

Gene: VPS13D (vacuolar protein sorting 13 homolog D; plus strand). Cytogenetic location: 1p36.22.
Variant type: single nucleotide variant.
Coding change: c.8526G>A on transcript NM_015378.4 (MANE Select); coding-DNA position 8526, G replaced by A.
Protein change: p.Ser2842=; no amino-acid change (serine 2842 retained).
Molecular consequence: synonymous variant.
Genome position (GRCh38, 1-based): chr1:12,335,802, G>A. VCF-style: chr1-12335802-G-A. GRCh37 (hg19) VCF-style: chr1-12395859-G-A.
Other names: c.8526G>A, p.Ser2842= (NM_018156.4).
Identifiers: ClinVar variation 729989 (VCV000729989.8), dbSNP rs145086605, ClinGen allele CA603140.
Genomic context (GRCh38, chr1:12,335,802, plus strand): 5'-TTACTGTAAAGATGACAAGGACATAGAGTCAGCTAAATCAGAAGACTGGATGGGCTCTTC[G>A]GTGGATCCTCCATGTTTTGGACAAAGTAAGAGTTTTCACTACATGTGTTTAACTAAATCA-3'
Protein context (NP_056193.2, residues 2832-2852): SAKSEDWMGS[Ser2842=]VDPPCFGQSL